The following is an entry in ClinVar:

NM_006565.4(CTCF):c.615_618del (p.Lys206fs)

Gene: CTCF (CCCTC-binding factor; plus strand). Cytogenetic location: 16q22.1.
Variant type: Deletion.
Coding change: c.615_618del on transcript NM_006565.4 (MANE Select); coding-DNA positions 615 to 618, 4 bases deleted (GAAA; older notation c.615_618delGAAA).
Protein change: p.Lys206fs; shifts the reading frame from lysine 206.
Molecular consequence: frameshift variant. On other transcripts: intron variant (1).
Genome position (GRCh38, 1-based): chr16:67,611,447-67,611,450, GAAA deleted; deleting any 4 consecutive bases within chr16:67,611,444-67,611,450 gives the same sequence; the c. name uses the placement nearest the transcript's 3' end. VCF-style (leftmost placement, unchanged base first): chr16-67611443-CAAAG-C. GRCh37 (hg19) VCF-style: chr16-67645346-CAAAG-C.
Other names: c.615_618delGAAA, p.Lys206Profs (NM_001363916.2); c.-32-5298_-32-5295del (NM_001191022.2); c.615_618delGAAA (NM_006565.3); short protein forms K206fs.
Identifiers: ClinVar variation 521287 (VCV000521287.19), dbSNP rs1555534147, ClinGen allele CA658798614.

ClinVar aggregate classification (germline): Pathogenic. Review status: criteria provided, multiple submitters, no conflicts (2 of 4 stars). 9 submissions from 9 submitters: Pathogenic (9). Last evaluated 2025-03-04.

Conditions:
Inborn genetic diseases. Identifiers: MedGen C0950123, MeSH D030342.
CTCF-related neurodevelopmental disorder. Also called: Intellectual disability-feeding difficulties-developmental delay-microcephaly syndrome; INTELLECTUAL DEVELOPMENTAL DISORDER, AUTOSOMAL DOMINANT 21. Identifiers: Orphanet 363611, MedGen C3809686, MONDO:0014213, OMIM 615502.
Intellectual disability. Also called: Intellectual developmental disorder; Intellectual functioning disability; intellectual disabilities. Identifiers: MedGen C3714756, MeSH D008607, MONDO:0001071, HP:0001249.

Submissions (9):

Institute of Human Genetics, University of Leipzig Medical Center
Classification: Pathogenic for CTCF-related neurodevelopmental disorder. Last evaluated: 2025-03-04. Review status: criteria provided, single submitter. Criteria: ACMG Guidelines, 2015. Collection method: clinical testing. Allele origin: de novo. Inheritance: Autosomal dominant inheritance. Affected: yes.
Comment: Criteria applied: PVS1,PS2_VSTR,PS4_MOD,PM2_SUP

3billion
Classification: Pathogenic for CTCF-related neurodevelopmental disorder. Last evaluated: 2024-11-25. Review status: criteria provided, single submitter. Criteria: ACMG Guidelines, 2015. Collection method: clinical testing. Allele origin: germline. Affected: yes.
Comment: The variant is not observed in the gnomAD v4.1.0 dataset. Predicted Consequence/Location: Frameshift: predicted to result in a loss or disruption of normal protein function through nonsense-mediated decay (NMD) or protein truncation. Multiple pathogenic variants are reported downstream of the variant. The variant has been previously reported as de novo in a similarly affected individual (PMID: 28619046). The variant has been reported at least twice as pathogenic with clinical assertions and evidence for the classification (ClinVar ID: VCV000521287 /PMID: 28619046). Therefore, this variant is classified as Pathogenic according to the recommendation of ACMG/AMP guideline.

Dubai Health Genomic Medicine Center, Dubai Health
Classification: Pathogenic for Intellectual developmental disorder. Last evaluated: 2024-10-04. Review status: criteria provided, single submitter. Criteria: ACMG Guidelines, 2015. Collection method: research. Allele origin: germline. Affected: yes.
Comment: PVS1,PS2,PM2

Genetic Services Laboratory, University of Chicago
Classification: Pathogenic. Last evaluated: 2024-10-01. Review status: criteria provided, single submitter. Criteria: ACMG Guidelines, 2015. Collection method: clinical testing. Allele origin: germline. Affected: yes.
Comment: DNA sequence analysis of the CTCF gene demonstrated a 4 base pair deletion in exon 3, c.615_618del. This sequence change results in an amino acid frameshift and creates a premature stop codon 14 amino acids downstream of the change, p.Lys206Profs*15. This sequence change is predicted to result in an abnormal transcript, which may be degraded, or may lead to the production of a truncated CTCF protein with potentially abnormal function. The c.615_618del sequence change has not been described in population databases such as ExAC and gnomAD. This pathogenic sequence change has previously been described in individuals with CTCF-related disorders (PMID: 30893510, 31239556). Collectively, this evidence indicates that this variant is pathogenic.

GeneDx
Classification: Pathogenic. Last evaluated: 2023-04-24. Review status: criteria provided, single submitter. Criteria: GeneDx Variant Classification Process June 2021. Collection method: clinical testing. Allele origin: germline. Affected: yes.
Comment: Frameshift variant predicted to result in protein truncation or nonsense mediated decay in a gene for which loss of function is a known mechanism of disease; Not observed at significant frequency in large population cohorts (gnomAD); This variant is associated with the following publications: (PMID: 36454652, 31239556, 28619046, 30893510)

New York Genome Center
Classification: Pathogenic for CTCF-related neurodevelopmental disorder. Last evaluated: 2022-12-08. Review status: criteria provided, single submitter. Criteria: NYGC Assertion Criteria 2020. Collection method: clinical testing. Allele origin: de novo. Affected: yes. Observed: 1 heterozygote.
Comment: The heterozygous c.615_618del variant in CTCF has previously been reported in multiple individuals affected with CTCF-related intellectual developmental disorder [PMID:31239556,30893510] and it has been deposited in ClinVar as Pathogenic [ClinVar ID: 521287]. The c.615_618del variant is absent from population databases (gnomAD v2.1.1 and v3.1.2, TOPMed Freeze 8, All of Us), suggesting it is not a common benign variant in the populations represented in those databases. The c.615_618del variant in CTCF is located in exon 3 of this 12-exon gene, predicted to incorporate a premature translation termination codon [p.(Lys206ProfsTer15)], and is expected to result in loss-of-function via nonsense mediated mRNA decay. Multiple loss-of-function variants that are downstream to the c.615_618del variant have been reported in the literature [PMID: 31239556] and ClinVar [ClinVar ID: 625526] in individuals with CTCF-related disorder. Based on available evidence this de novo c.615_618del p.(Lys206ProfsTer15) variant identified in CTCF gene is classified as Pathogenic

Victorian Clinical Genetics Services, Murdoch Childrens Research Institute
Classification: Pathogenic for CTCF-related neurodevelopmental disorder. Last evaluated: 2022-02-02. Review status: criteria provided, single submitter. Criteria: ACMG Guidelines, 2015. Collection method: clinical testing. Allele origin: germline. Inheritance: Autosomal dominant inheritance.
Comment: Based on the classification scheme VCGS_Germline_v1.3.4, this variant is classified as Pathogenic. Following criteria are met: 0102 - Loss of function is a known mechanism of disease in this gene and is associated with CTCF-related neurodevelopmental disorder (MIM#615502). (I) 0107 - This gene is associated with autosomal dominant disease. (I) 0201 - Variant is predicted to cause nonsense-mediated decay (NMD) and loss of protein (premature termination codon is located at least 54 nucleotides upstream of the final exon-exon junction). (SP) 0251 - This variant is heterozygous. (I) 0301 - Variant is absent from gnomAD (both v2 and v3). (SP) 0701 - Other NMD-predicted variants comparable to the one identified in this case have very strong previous evidence for pathogenicity (ClinVar, DECIPHER). (SP) 0801 - This variant has strong previous evidence of pathogenicity in unrelated individuals. (SP) Legend: (SP) - Supporting pathogenic, (I) - Information, (SB) - Supporting benign

Revvity Omics, Revvity
Classification: Pathogenic. Last evaluated: 2019-07-08. Review status: criteria provided, single submitter. Criteria: ACMG Guidelines, 2015. Collection method: clinical testing. Allele origin: germline.

Ambry Genetics
Classification: Pathogenic for Inborn genetic diseases. Last evaluated: 2016-10-06. Review status: criteria provided, single submitter. Criteria: Ambry exome assertion method (8-5-2015). Collection method: clinical testing. Allele origin: germline. Affected: yes. Observed: 1 variant allele.

Literature cited by the submitters: PubMed 28619046 (cited by 3billion); PubMed 30893510 (cited by Victorian Clinical Genetics Services, Murdoch Childrens Research Institute); PubMed 31239556 (cited by Victorian Clinical Genetics Services, Murdoch Childrens Research Institute).